The following is an entry in ClinVar:

NM_001006630.2(CHRM2):c.403C>T (p.Arg135Trp)

Genes: CHRM2 (cholinergic receptor muscarinic 2; plus strand), LOC349160 (uncharacterized LOC349160; minus strand). Cytogenetic location: 7q33.
Variant type: single nucleotide variant.
Coding change: c.403C>T on transcript NM_001006630.2 (MANE Select); coding-DNA position 403, C replaced by T.
Protein change: p.Arg135Trp; replaces arginine 135 with tryptophan.
Molecular consequence: missense variant.
Genome position (GRCh38, 1-based): chr7:137,015,268, C>T. VCF-style: chr7-137015268-C-T. GRCh37 (hg19) VCF-style: chr7-136700015-C-T.
Other names: c.403C>T, p.Arg135Trp (NM_000739.3, NM_001006626.3, NM_001006627.3 and 6 more transcripts); short protein forms R135W.
Identifiers: ClinVar variation 1921413 (VCV001921413.5), dbSNP rs748172206, ClinGen allele CA369486416.

ClinVar aggregate classification (germline): Uncertain significance (1 of 4 stars; one submission).

gnomAD v4.1: 2 of 1,613,306 alleles (0.00012%); highest among the groups gnomAD compares: South Asian, 0.0011%; no homozygotes.

Submission:

Labcorp Genetics (formerly Invitae), Labcorp
Classification: Uncertain significance. Last evaluated: 2022-10-25. Review status: criteria provided, single submitter. Criteria: Invitae Variant Classification Sherloc (09022015). Collection method: clinical testing. Allele origin: germline.
Comment: In summary, the available evidence is currently insufficient to determine the role of this variant in disease. Therefore, it has been classified as a Variant of Uncertain Significance. Algorithms developed to predict the effect of missense changes on protein structure and function (SIFT, PolyPhen-2, Align-GVGD) all suggest that this variant is likely to be disruptive. This variant has not been reported in the literature in individuals affected with CHRM2-related conditions. The frequency data for this variant in the population databases is considered unreliable, as metrics indicate poor data quality at this position in the gnomAD database. This sequence change replaces arginine, which is basic and polar, with tryptophan, which is neutral and slightly polar, at codon 135 of the CHRM2 protein (p.Arg135Trp).